The following is an entry in ClinVar:

ClinVar aggregate classification (germline): Likely pathogenic. Review status: criteria provided, single submitter (1 of 4 stars). 2 submissions from 2 submitters: Likely pathogenic (1). 1 of the submissions does not count toward it. Last evaluated 2026-01-01.

Conditions:
Distal arthrogryposis type 5D (DA5D). Identifiers: Orphanet 329457, MedGen C3554415, MONDO:0014028, OMIM 615065.

Allele frequency attached by ClinVar (database versions not stated): gnomAD exomes below 0.00001.
gnomAD v4.1: 1 of 1,608,756 alleles (0.000062%); highest among the groups gnomAD compares: Non-Finnish European, 0.000085%; no homozygotes.

Submissions (2):

CeGaT Center for Human Genetics Tuebingen
Classification: Likely pathogenic. Last evaluated: 2026-01-01. Review status: criteria provided, single submitter. Criteria: CeGaT Center For Human Genetics Tuebingen Variant Classification Criteria Version 2. Collection method: clinical testing. Allele origin: germline. Affected: yes. Observed: 2 variant alleles.
Comment: ECEL1: PVS1:Strong, PM2, PM3:Supporting

Lupski Lab, Baylor-Hopkins CMG, Baylor College of Medicine
Classification: Pathogenic for Distal arthrogryposis type 5D. Review status: no assertion criteria provided. Collection method: research. Allele origin: inherited. Inheritance: Autosomal recessive inheritance. Affected: yes. Observed: 3 variant alleles, 2 heterozygotes, 1 homozygote. Not counted in ClinVar's aggregate classification.

NM_004826.4(ECEL1):c.1581+1G>A

Gene: ECEL1 (endothelin converting enzyme like 1; minus strand). Cytogenetic location: 2q37.1.
Variant type: single nucleotide variant.
Coding change: c.1581+1G>A on transcript NM_004826.4 (MANE Select); the canonical splice donor site of the intron after coding-DNA position 1581, G replaced by A.
Molecular consequence: splice donor variant.
Genome position (GRCh38, 1-based): chr2:232,483,104, C>T on the plus strand (G>A on the coding strand, the complement: ECEL1 is on the minus strand). VCF-style: chr2-232483104-C-T. GRCh37 (hg19) VCF-style: chr2-233347814-C-T.
Other names: c.1581+1G>A (NM_001290787.2).
Identifiers: ClinVar variation 816825 (VCV000816825.7), dbSNP rs1575076514, ClinGen allele CA350998866.